The following is an entry in ClinVar:

NM_000051.4(ATM):c.8076A>G (p.Leu2692=)

Genes: ATM (ATM serine/threonine kinase; plus strand), C11orf65 (chromosome 11 open reading frame 65; minus strand). Cytogenetic location: 11q22.3.
Variant type: single nucleotide variant.
Coding change: c.8076A>G on transcript NM_000051.4 (MANE Select); coding-DNA position 8076, A replaced by G.
Protein change: p.Leu2692=; no amino-acid change (leucine 2692 retained).
Molecular consequence: synonymous variant. On other transcripts: intron variant (2).
Genome position (GRCh38, 1-based): chr11:108,335,034, A>G. VCF-style: chr11-108335034-A-G. GRCh37 (hg19) VCF-style: chr11-108205761-A-G.
Other names: c.8076A>G, p.Leu2692= (NM_001351834.2); c.641-25963T>C (NM_001330368.2); c.*38+186T>C (NM_001351110.2).
Identifiers: ClinVar variation 1761881 (VCV001761881.3), dbSNP rs2136658802, ClinGen allele CA476677670.

ClinVar aggregate classification (germline): Benign/Likely benign. Review status: criteria provided, multiple submitters, no conflicts (2 of 4 stars). 3 submissions from 3 submitters: Benign (1); Likely benign (2). Last evaluated 2024-06-18.

Conditions:
Familial cancer of breast. Also called: Hereditary breast cancer; hereditary breast carcinoma; BREAST CANCER, FAMILIAL. Identifiers: Orphanet 227535, MedGen C0346153, MONDO:0016419, OMIM 114480. Disease mechanism: loss of function.
Hereditary cancer-predisposing syndrome. Also called: Hereditary neoplastic syndrome; Neoplastic Syndromes, Hereditary; Tumor predisposition; Hereditary Cancer Syndrome. Identifiers: Orphanet 140162, MedGen C0027672, MeSH D009386, MONDO:0015356.

Allele frequency attached by ClinVar (database versions not stated): gnomAD exomes below 0.00001.
gnomAD v4.1: 1 of 1,614,128 alleles (0.000062%); highest among the groups gnomAD compares: Non-Finnish European, 0.000085%; no homozygotes.

Submissions (3):

Myriad Genetics, Inc.
Classification: Benign for Familial cancer of breast. Last evaluated: 2024-06-18. Review status: criteria provided, single submitter. Criteria: Myriad Autosomal Dominant, Autosomal Recessive and X-Linked Classification Criteria (2023). Collection method: clinical testing. Allele origin: unknown.
Comment: This variant is considered benign. This variant is a silent/synonymous amino acid change and it is not expected to impact splicing.

Color Diagnostics, LLC DBA Color Health
Classification: Likely benign for Hereditary cancer-predisposing syndrome. Last evaluated: 2021-11-18. Review status: criteria provided, single submitter. Criteria: ACMG Guidelines, 2015. Collection method: clinical testing. Allele origin: germline.

Ambry Genetics
Classification: Likely benign for Hereditary cancer-predisposing syndrome. Last evaluated: 2020-09-16. Review status: criteria provided, single submitter. Criteria: Ambry Variant Classification Scheme 2023. Collection method: clinical testing. Allele origin: germline.